The following is an entry in ClinVar:

NM_004656.4(BAP1):c.1729+6C>G

Gene: BAP1 (BRCA1 associated deubiquitinase 1; minus strand). Cytogenetic location: 3p21.1.
Variant type: single nucleotide variant.
Coding change: c.1729+6C>G on transcript NM_004656.4 (MANE Select); 6 bases into the intron after coding-DNA position 1729, C replaced by G.
Molecular consequence: intron variant.
Genome position (GRCh38, 1-based): chr3:52,403,410, G>C on the plus strand (C>G on the coding strand, the complement: BAP1 is on the minus strand). VCF-style: chr3-52403410-G-C. GRCh37 (hg19) VCF-style: chr3-52437426-G-C.
Identifiers: ClinVar variation 2129645 (VCV002129645.4), dbSNP rs1705034559, ClinGen allele CA2580070223.

ClinVar aggregate classification (germline): Uncertain significance (1 of 4 stars; one submission).

Conditions:
BAP1-related tumor predisposition syndrome (TPDS1). Also called: Tumor susceptibility linked to germline BAP1 mutations; BAP1 tumor predisposition syndrome; COMMON Syndrome; TUMOR PREDISPOSITION SYNDROME 1. Identifiers: Orphanet 289539, MedGen C3280492, MONDO:0013692, OMIM 614327.

Submission:

Labcorp Genetics (formerly Invitae), Labcorp
Classification: Uncertain significance for BAP1-related tumor predisposition syndrome. Last evaluated: 2022-04-23. Review status: criteria provided, single submitter. Criteria: Invitae Variant Classification Sherloc (09022015). Collection method: clinical testing. Allele origin: germline.
Comment: This variant has not been reported in the literature in individuals affected with BAP1-related conditions. Variants that disrupt the consensus splice site are a relatively common cause of aberrant splicing (PMID: 17576681, 9536098). Algorithms developed to predict the effect of sequence changes on RNA splicing suggest that this variant is not likely to affect RNA splicing. In summary, the available evidence is currently insufficient to determine the role of this variant in disease. Therefore, it has been classified as a Variant of Uncertain Significance. This variant is not present in population databases (gnomAD no frequency). This sequence change falls in intron 13 of the BAP1 gene. It does not directly change the encoded amino acid sequence of the BAP1 protein. It affects a nucleotide within the consensus splice site.

Literature cited by the submitters: PubMed 17576681; PubMed 9536098.